The following is an entry in ClinVar:

ClinVar aggregate classification (germline): Uncertain significance (1 of 4 stars; one submission).

gnomAD v4.1: 3 of 1,605,024 alleles (0.00019%); highest among the groups gnomAD compares: East Asian, 0.0045%; no homozygotes.

Submission:

Labcorp Genetics (formerly Invitae), Labcorp
Classification: Uncertain significance. Last evaluated: 2023-11-17. Review status: criteria provided, single submitter. Criteria: Invitae Variant Classification Sherloc (09022015). Collection method: clinical testing. Allele origin: germline.
Comment: This sequence change replaces glycine, which is neutral and non-polar, with aspartic acid, which is acidic and polar, at codon 754 of the PACS2 protein (p.Gly754Asp). This variant is not present in population databases (gnomAD no frequency). This variant has not been reported in the literature in individuals affected with PACS2-related conditions. Advanced modeling of protein sequence and biophysical properties (such as structural, functional, and spatial information, amino acid conservation, physicochemical variation, residue mobility, and thermodynamic stability) performed at Invitae indicates that this missense variant is not expected to disrupt PACS2 protein function with a negative predictive value of 80%. In summary, the available evidence is currently insufficient to determine the role of this variant in disease. Therefore, it has been classified as a Variant of Uncertain Significance.

NM_001100913.3(PACS2):c.2261G>A (p.Gly754Asp)

Gene: PACS2 (phosphofurin acidic cluster sorting protein 2; plus strand). Cytogenetic location: 14q32.33.
Variant type: single nucleotide variant.
Coding change: c.2261G>A on transcript NM_001100913.3 (MANE Select); coding-DNA position 2261, G replaced by A.
Protein change: p.Gly754Asp; replaces glycine 754 with aspartic acid.
Molecular consequence: missense variant.
Genome position (GRCh38, 1-based): chr14:105,392,624, G>A. VCF-style: chr14-105392624-G-A. GRCh37 (hg19) VCF-style: chr14-105858961-G-A.
Other names: c.1991G>A, p.Gly664Asp (NM_001243127.3); c.2216G>A, p.Gly739Asp (NM_015197.4); short protein forms G664D, G754D, G739D.
Identifiers: ClinVar variation 2696949 (VCV002696949.3), dbSNP rs201037630, ClinGen allele CA391186311.
Genomic context (GRCh38, chr14:105,392,624, plus strand): 5'-CCCCATCACTAGGCCCAAAGATGCAGGTGTGAATGCCTCCCTCTGCCTTTCCCAGCCAGG[G>A]TGTCGGCGCCGAGCTGATGGGGCTGCAGGTGGACTACTGGACGGCAGCACAGCCTGCGGA-3'
Protein context (NP_001094383.2, residues 744-764): VSGGLSSPSQ[Gly754Asp]VGAELMGLQV